The following is an entry in ClinVar:

ClinVar aggregate classification (germline): Likely benign (1 of 4 stars; one submission).

Allele frequency attached by ClinVar (database versions not stated): TOPMed below 0.00001; gnomAD 0.00001; ExAC 0.00008.
gnomAD v4.1: 27 of 1,583,292 alleles (0.0017%); highest among the groups gnomAD compares: Middle Eastern, 0.067%; no homozygotes.

Submission:

CeGaT Center for Human Genetics Tuebingen
Classification: Likely benign. Last evaluated: 2024-01-01. Review status: criteria provided, single submitter. Criteria: CeGaT Center For Human Genetics Tuebingen Variant Classification Criteria Version 2. Collection method: clinical testing. Allele origin: germline. Affected: yes. Observed: 1 variant allele.
Comment: DENND6A: BP4, BP7

NM_152678.3(DENND6A):c.184C>T (p.Leu62=)

Gene: DENND6A (DENN domain containing 6A; minus strand). Cytogenetic location: 3p14.3.
Variant type: single nucleotide variant.
Coding change: c.184C>T on transcript NM_152678.3 (MANE Select); coding-DNA position 184, C replaced by T.
Protein change: p.Leu62=; no amino-acid change (leucine 62 retained).
Molecular consequence: synonymous variant.
Genome position (GRCh38, 1-based): chr3:57,692,835, G>A on the plus strand (C>T on the coding strand, the complement: DENND6A is on the minus strand). VCF-style: chr3-57692835-G-A. GRCh37 (hg19) VCF-style: chr3-57678562-G-A.
Identifiers: ClinVar variation 3025509 (VCV003025509.22), dbSNP rs745734173, ClinGen allele CA2466648.
Genomic context (GRCh38, chr3:57,692,835, plus strand): 5'-GCCTCACCTCCACGGCCTGGCCCAGCTCCAGGTCGAAGCCCACCACACACACGCAGTGCA[G>A]CCAGGCGGAGAAGCTGTCCCAGCGCAGCAGGCCCCGGCCACGGCCATCGTCCTCTTCATC-3'
Protein context (NP_689891.1, residues 52-72): LLRWDSFSAW[Leu62=]HCVCVVGFDL